The following is an entry in ClinVar:

NM_139125.4(MASP1):c.1508G>A (p.Arg503His)

Gene: MASP1 (MBL associated serine protease 1; minus strand). Cytogenetic location: 3q27.3.
Variant type: single nucleotide variant.
Coding change: c.1508G>A on transcript NM_139125.4 (MANE Select); coding-DNA position 1508, G replaced by A.
Protein change: p.Arg503His; replaces arginine 503 with histidine.
Molecular consequence: missense variant. On other transcripts: non-coding transcript variant (1), intron variant (1).
Genome position (GRCh38, 1-based): chr3:187,236,363, C>T on the plus strand (G>A on the coding strand, the complement: MASP1 is on the minus strand). VCF-style: chr3-187236363-C-T. GRCh37 (hg19) VCF-style: chr3-186954151-C-T.
Other names: c.1303+5118G>A (NM_001879.6); short protein forms R503H.
Identifiers: ClinVar variation 837910 (VCV000837910.4), dbSNP rs560233325, ClinGen allele CA2749244.

ClinVar aggregate classification (germline): Uncertain significance. Review status: criteria provided, multiple submitters, no conflicts (2 of 4 stars). 2 submissions from 2 submitters: Uncertain significance (2). Last evaluated 2023-08-21.

Conditions:
Inborn genetic diseases. Identifiers: MedGen C0950123, MeSH D030342.
3MC syndrome 1. Also called: MICHELS SYNDROME; CRANIOSYNOSTOSIS WITH LID ANOMALIES; OCULOPALATOSKELETAL SYNDROME. Identifiers: Orphanet 293843, MedGen C0796059, MONDO:0009770, OMIM 257920.

Allele frequency attached by ClinVar (database versions not stated): gnomAD exomes 0.00002 and 0.00008; TOPMed 0.00004; ExAC 0.00005; 1000 Genomes Project 30x 0.00016; 1000 Genomes Project 0.00020.
gnomAD v4.1: 131 of 1,614,254 alleles (0.0081%); highest among the groups gnomAD compares: Middle Eastern, 0.016%; no homozygotes.

Submissions (2):

Ambry Genetics
Classification: Uncertain significance for Inborn genetic diseases. Last evaluated: 2023-08-21. Review status: criteria provided, single submitter. Criteria: Ambry Variant Classification Scheme 2023. Collection method: clinical testing. Allele origin: germline.

Labcorp Genetics (formerly Invitae), Labcorp
Classification: Uncertain significance for 3MC syndrome 1. Last evaluated: 2019-01-16. Review status: criteria provided, single submitter. Criteria: Invitae Variant Classification Sherloc (09022015). Collection method: clinical testing. Allele origin: germline.
Comment: This sequence change replaces arginine with histidine at codon 503 of the MASP1 protein (p.Arg503His). The arginine residue is highly conserved and there is a small physicochemical difference between arginine and histidine. This variant is present in population databases (rs560233325, ExAC 0.01%). This variant has not been reported in the literature in individuals with MASP1-related conditions. Algorithms developed to predict the effect of missense changes on protein structure and function are either unavailable or do not agree on the potential impact of this missense change (SIFT: Deleterious; PolyPhen-2: Benign; Align-GVGD: Class C2). In summary, the available evidence is currently insufficient to determine the role of this variant in disease. Therefore, it has been classified as a Variant of Uncertain Significance. 5